The following is an entry in ClinVar:

NM_013275.6(ANKRD11):c.1838C>T (p.Ser613Phe)

Gene: ANKRD11 (ankyrin repeat domain 11; minus strand). Cytogenetic location: 16q24.3.
Variant type: single nucleotide variant.
Coding change: c.1838C>T on transcript NM_013275.6 (MANE Select); coding-DNA position 1838, C replaced by T.
Protein change: p.Ser613Phe; replaces serine 613 with phenylalanine.
Molecular consequence: missense variant.
Genome position (GRCh38, 1-based): chr16:89,284,704, G>A on the plus strand (C>T on the coding strand, the complement: ANKRD11 is on the minus strand). VCF-style: chr16-89284704-G-A. GRCh37 (hg19) VCF-style: chr16-89351112-G-A.
Other names: c.1838C>T, p.Ser613Phe (NM_001256182.2, NM_001256183.2); short protein forms S613F.
Identifiers: ClinVar variation 3637148 (VCV003637148.2).
Genomic context (GRCh38, chr16:89,284,704, plus strand): 5'-TTATGTTTTTTGACAACTTTCCCCTCCTTGTCCAGTTTGGGGACAGCGCCCTCCGCGCTG[G>A]ACAGGAAGGGGCTCTTCTTCTCCGACAGGGAGGCTCGCTTCCTGTGCTCCTGCCTCTTCC-3'
Protein context (NP_037407.4, residues 603-623): SLSEKKSPFL[Ser613Phe]SAEGAVPKLD

ClinVar aggregate classification (germline): Uncertain significance (1 of 4 stars; one submission).

Conditions:
KBG syndrome (KBGS). Also called: ANKRD11-Related KBG Syndrome. Identifiers: Orphanet 2332, MedGen C0220687, MONDO:0007846, OMIM 148050.

gnomAD v4.1: 1 of 1,613,900 alleles (0.000062%); highest among the groups gnomAD compares: Non-Finnish European, 0.000085%; no homozygotes.

Submission:

Labcorp Genetics (formerly Invitae), Labcorp
Classification: Uncertain significance for KBG syndrome. Last evaluated: 2024-05-24. Review status: criteria provided, single submitter. Criteria: Invitae Variant Classification Sherloc (09022015). Collection method: clinical testing. Allele origin: germline.
Comment: This sequence change replaces serine, which is neutral and polar, with phenylalanine, which is neutral and non-polar, at codon 613 of the ANKRD11 protein (p.Ser613Phe). This variant is not present in population databases (gnomAD no frequency). This variant has not been reported in the literature in individuals affected with ANKRD11-related conditions. Advanced modeling of protein sequence and biophysical properties (such as structural, functional, and spatial information, amino acid conservation, physicochemical variation, residue mobility, and thermodynamic stability) performed at Invitae indicates that this missense variant is not expected to disrupt ANKRD11 protein function with a negative predictive value of 95%. In summary, the available evidence is currently insufficient to determine the role of this variant in disease. Therefore, it has been classified as a Variant of Uncertain Significance.